The following is an entry in ClinVar:

NM_000064.4(C3):c.1196_1223dup (p.Lys408fs)

Gene: C3 (complement C3; minus strand). Cytogenetic location: 19p13.3.
Variant type: Duplication.
Coding change: c.1196_1223dup on transcript NM_000064.4 (MANE Select); coding-DNA positions 1196 to 1223, 28 bases duplicated (CTCTAACCCAGGGAGATGGCGTGGCCAA).
Protein change: p.Lys408fs; shifts the reading frame from lysine 408.
Molecular consequence: frameshift variant.
Genome position (GRCh38, 1-based): chr19:6,712,303-6,712,330, TTGGCCACGCCATCTCCCTGGGTTAGAG duplicated on the plus strand (CTCTAACCCAGGGAGATGGCGTGGCCAA on the coding strand, the reverse complement: C3 is on the minus strand). VCF-style (leftmost placement, unchanged base first): chr19-6712302-T-TTTGGCCACGCCATCTCCCTGGGTTAGAG. GRCh37 (hg19) VCF-style: chr19-6712313-T-TTTGGCCACGCCATCTCCCTGGGTTAGAG.
Other names: short protein forms K408fs.
Identifiers: ClinVar variation 2698807 (VCV002698807.3), dbSNP rs2512263954, ClinGen allele CA2697556138.

ClinVar aggregate classification (germline): Pathogenic (1 of 4 stars; one submission).

Submission:

Labcorp Genetics (formerly Invitae), Labcorp
Classification: Pathogenic. Last evaluated: 2023-11-24. Review status: criteria provided, single submitter. Criteria: Invitae Variant Classification Sherloc (09022015). Collection method: clinical testing. Allele origin: germline.
Comment: This sequence change creates a premature translational stop signal (p.Lys408Asnfs*190) in the C3 gene. It is expected to result in an absent or disrupted protein product. Loss-of-function variants in C3 are known to be pathogenic (PMID: 12462331, 14639503, 21501302). This variant is not present in population databases (gnomAD no frequency). This variant has not been reported in the literature in individuals affected with C3-related conditions. For these reasons, this variant has been classified as Pathogenic.

Literature cited by the submitters: PubMed 12462331; PubMed 14639503; PubMed 21501302.